The following is an entry in ClinVar:

NM_000372.5(TYR):c.635G>T (p.Arg212Ile)

Gene: TYR (tyrosinase; plus strand). Cytogenetic location: 11q14.3.
Variant type: single nucleotide variant.
Coding change: c.635G>T on transcript NM_000372.5 (MANE Select); coding-DNA position 635, G replaced by T.
Protein change: p.Arg212Ile; replaces arginine 212 with isoleucine.
Molecular consequence: missense variant.
Genome position (GRCh38, 1-based): chr11:89,178,588, G>T. VCF-style: chr11-89178588-G-T. GRCh37 (hg19) VCF-style: chr11-88911756-G-T.
Other names: short protein forms R212I.
Identifiers: ClinVar variation 1496627 (VCV001496627.6), dbSNP rs377209424, ClinGen allele CA382035024.

ClinVar aggregate classification (germline): Likely pathogenic (1 of 4 stars; one submission).

Submission:

Labcorp Genetics (formerly Invitae), Labcorp
Classification: Likely pathogenic. Last evaluated: 2022-08-16. Review status: criteria provided, single submitter. Criteria: Invitae Variant Classification Sherloc (09022015). Collection method: clinical testing. Allele origin: germline.
Comment: This sequence change replaces arginine, which is basic and polar, with isoleucine, which is neutral and non-polar, at codon 212 of the TYR protein (p.Arg212Ile). Advanced modeling of protein sequence and biophysical properties (such as structural, functional, and spatial information, amino acid conservation, physicochemical variation, residue mobility, and thermodynamic stability) performed at Invitae indicates that this missense variant is expected to disrupt TYR protein function. ClinVar contains an entry for this variant (Variation ID: 1496627). This variant has not been reported in the literature in individuals affected with TYR-related conditions. This variant is not present in population databases (gnomAD no frequency). This variant disrupts the p.Arg212 amino acid residue in TYR. Other variant(s) that disrupt this residue have been determined to be pathogenic (PMID: 13680365, 28976636). This suggests that this residue is clinically significant, and that variants that disrupt this residue are likely to be disease-causing. In summary, the currently available evidence indicates that the variant is pathogenic, but additional data are needed to prove that conclusively. Therefore, this variant has been classified as Likely Pathogenic.

Literature cited by the submitters: PubMed 13680365; PubMed 28976636.